The following is an entry in ClinVar:

NM_001382508.1(DROSHA):c.525C>T (p.His175=)

Gene: DROSHA (drosha ribonuclease III; minus strand). Cytogenetic location: 5p13.3.
Variant type: single nucleotide variant.
Coding change: c.525C>T on transcript NM_001382508.1 (MANE Select); coding-DNA position 525, C replaced by T.
Protein change: p.His175=; no amino-acid change (histidine 175 retained).
Molecular consequence: synonymous variant.
Genome position (GRCh38, 1-based): chr5:31,526,408, G>A on the plus strand (C>T on the coding strand, the complement: DROSHA is on the minus strand). VCF-style: chr5-31526408-G-A. GRCh37 (hg19) VCF-style: chr5-31526515-G-A.
Other names: c.525C>T, p.His175= (NM_001100412.2, NM_013235.5).
Identifiers: ClinVar variation 791257 (VCV000791257.5), dbSNP rs187031144, ClinGen allele CA3217937.

ClinVar aggregate classification (germline): Likely benign. Review status: criteria provided, single submitter (1 of 4 stars). 2 submissions from 2 submitters: Likely benign (1). 1 of the submissions does not count toward it. Last evaluated 2018-07-13.

Conditions:
DROSHA-related disorder. Also called: DROSHA-related condition.

Allele frequency attached by ClinVar (database versions not stated): gnomAD exomes 0.00004 and 0.00012; ExAC 0.00011; 1000 Genomes Project 30x 0.00016; 1000 Genomes Project 0.00020; ESP Exome Variant Server 0.00042; gnomAD 0.00054 and 0.00055; TOPMed 0.00066.
gnomAD v4.1: 144 of 1,613,524 alleles (0.0089%); highest among the groups gnomAD compares: African/African-American, 0.16%; 1 homozygote.

Submissions (2):

Labcorp Genetics (formerly Invitae), Labcorp
Classification: Likely benign. Last evaluated: 2018-07-13. Review status: criteria provided, single submitter. Criteria: Invitae Variant Classification Sherloc (09022015). Collection method: clinical testing. Allele origin: germline.

PreventionGenetics, part of Exact Sciences
Classification: Likely benign for DROSHA-related condition. Last evaluated: 2022-04-04. Review status: no assertion criteria provided. Collection method: clinical testing. Allele origin: germline. Not counted in ClinVar's aggregate classification.
Comment: This variant is classified as likely benign based on ACMG/AMP sequence variant interpretation guidelines (Richards et al. 2015 PMID: 25741868, with internal and published modifications).